The following is an entry in ClinVar:

NM_001084.5(PLOD3):c.1553C>A (p.Thr518Asn)

Gene: PLOD3 (procollagen-lysine,2-oxoglutarate 5-dioxygenase 3; minus strand). Cytogenetic location: 7q22.1.
Variant type: single nucleotide variant.
Coding change: c.1553C>A on transcript NM_001084.5 (MANE Select); coding-DNA position 1553, C replaced by A.
Protein change: p.Thr518Asn; replaces threonine 518 with asparagine.
Molecular consequence: missense variant.
Genome position (GRCh38, 1-based): chr7:101,210,392, G>T on the plus strand (C>A on the coding strand, the complement: PLOD3 is on the minus strand). VCF-style: chr7-101210392-G-T. GRCh37 (hg19) VCF-style: chr7-100853673-G-T.
Other names: short protein forms T518N.
Identifiers: ClinVar variation 1444651 (VCV001444651.6), dbSNP rs142888598, ClinGen allele CA163347398.
Genomic context (GRCh38, chr7:101,210,392, plus strand): 5'-ACGGGGTTGTCGAAGATCTGCCAGAGGTCGGGGTGCAGGTGCTCCGTGTCGTATCTGGAA[G>T]TGGCCAGGAGCCGGCCAAATTCATGCTGATTGCTCAGATGGAGGAAGATGCCCTGTAGTG-3'
Protein context (NP_001075.1, residues 508-528): NQHEFGRLLA[Thr518Asn]SRYDTEHLHP

ClinVar aggregate classification (germline): Uncertain significance (1 of 4 stars; one submission).

Allele frequency attached by ClinVar (database versions not stated): ESP Exome Variant Server 0.00008.
gnomAD v4.1: 1 of 1,614,206 alleles (0.000062%); highest among the groups gnomAD compares: Non-Finnish European, 0.000085%; no homozygotes.

Submission:

Labcorp Genetics (formerly Invitae), Labcorp
Classification: Uncertain significance. Last evaluated: 2022-07-26. Review status: criteria provided, single submitter. Criteria: Invitae Variant Classification Sherloc (09022015). Collection method: clinical testing. Allele origin: germline.
Comment: In summary, the available evidence is currently insufficient to determine the role of this variant in disease. Therefore, it has been classified as a Variant of Uncertain Significance. Algorithms developed to predict the effect of missense changes on protein structure and function are either unavailable or do not agree on the potential impact of this missense change (SIFT: "Deleterious"; PolyPhen-2: "Benign"; Align-GVGD: "Class C0"). ClinVar contains an entry for this variant (Variation ID: 1444651). This variant has not been reported in the literature in individuals affected with PLOD3-related conditions. This variant is not present in population databases (gnomAD no frequency). This sequence change replaces threonine, which is neutral and polar, with asparagine, which is neutral and polar, at codon 518 of the PLOD3 protein (p.Thr518Asn).